The following is an entry in ClinVar:

ClinVar aggregate classification (germline): Uncertain significance (1 of 4 stars; one submission).

gnomAD v4.1: 2 of 1,580,206 alleles (0.00013%); highest among the groups gnomAD compares: African/African-American, 0.0027%; no homozygotes.

Submission:

Ambry Genetics
Classification: Uncertain significance. Last evaluated: 2024-12-17. Review status: criteria provided, single submitter. Criteria: Ambry Variant Classification Scheme 2023. Collection method: clinical testing. Allele origin: germline.
Comment: The p.S444P variant (also known as c.1330T>C), located in coding exon 2 of the CDK12 gene, results from a T to C substitution at nucleotide position 1330. The serine at codon 444 is replaced by proline, an amino acid with similar properties. This amino acid position is conserved. In addition, this alteration is predicted to be tolerated by in silico analysis. Based on the available evidence, the clinical significance of this variant remains unclear.

NM_016507.4(CDK12):c.1330T>C (p.Ser444Pro)

Gene: CDK12 (cyclin dependent kinase 12; plus strand). Cytogenetic location: 17q12.
Variant type: single nucleotide variant.
Coding change: c.1330T>C on transcript NM_016507.4 (MANE Select); coding-DNA position 1330, T replaced by C.
Protein change: p.Ser444Pro; replaces serine 444 with proline.
Molecular consequence: missense variant.
Genome position (GRCh38, 1-based): chr17:39,471,162, T>C. VCF-style: chr17-39471162-T-C. GRCh37 (hg19) VCF-style: chr17-37627415-T-C.
Other names: c.1330T>C, p.Ser444Pro (NM_015083.4); short protein forms S444P.
Identifiers: ClinVar variation 3830371 (VCV003830371.1).